The following is an entry in ClinVar:

NM_152468.5(TMC8):c.1376G>A (p.Arg459Gln)

Gene: TMC8 (transmembrane channel like 8; plus strand). Cytogenetic location: 17q25.3.
Variant type: single nucleotide variant.
Coding change: c.1376G>A on transcript NM_152468.5 (MANE Select); coding-DNA position 1376, G replaced by A.
Protein change: p.Arg459Gln; replaces arginine 459 with glutamine.
Molecular consequence: missense variant.
Genome position (GRCh38, 1-based): chr17:78,138,031, G>A. VCF-style: chr17-78138031-G-A. GRCh37 (hg19) VCF-style: chr17-76134112-G-A.
Other names: short protein forms R459Q.
Identifiers: ClinVar variation 2185274 (VCV002185274.3), dbSNP rs532478080, ClinGen allele CA8796857.

ClinVar aggregate classification (germline): Uncertain significance. Review status: criteria provided, multiple submitters, no conflicts (2 of 4 stars). 2 submissions from 2 submitters: Uncertain significance (2). Last evaluated 2025-08-02.

Conditions:
Epidermodysplasia verruciformis. Identifiers: Orphanet 302, MedGen C0014522, MONDO:0009176.
Inborn genetic diseases. Identifiers: MedGen C0950123, MeSH D030342.

Allele frequency attached by ClinVar (database versions not stated): gnomAD 0.00002; TOPMed 0.00003; gnomAD exomes 0.00004; ExAC 0.00008; 1000 Genomes Project 30x 0.00016; 1000 Genomes Project 0.00020.
gnomAD v4.1: 61 of 1,614,030 alleles (0.0038%); highest among the groups gnomAD compares: Admixed American, 0.032%; no homozygotes.

Submissions (2):

Ambry Genetics
Classification: Uncertain significance for Inborn genetic diseases. Last evaluated: 2025-08-02. Review status: criteria provided, single submitter. Criteria: Ambry Variant Classification Scheme 2023. Collection method: clinical testing. Allele origin: germline.

Labcorp Genetics (formerly Invitae), Labcorp
Classification: Uncertain significance for Epidermodysplasia verruciformis. Last evaluated: 2023-03-20. Review status: criteria provided, single submitter. Criteria: Invitae Variant Classification Sherloc (09022015). Collection method: clinical testing. Allele origin: germline.
Comment: In summary, the available evidence is currently insufficient to determine the role of this variant in disease. Therefore, it has been classified as a Variant of Uncertain Significance. Advanced modeling of protein sequence and biophysical properties (such as structural, functional, and spatial information, amino acid conservation, physicochemical variation, residue mobility, and thermodynamic stability) performed at Invitae indicates that this missense variant is not expected to disrupt TMC8 protein function. ClinVar contains an entry for this variant (Variation ID: 2185274). This variant has not been reported in the literature in individuals affected with TMC8-related conditions. This variant is present in population databases (rs532478080, gnomAD 0.04%). This sequence change replaces arginine, which is basic and polar, with glutamine, which is neutral and polar, at codon 459 of the TMC8 protein (p.Arg459Gln).